The following is an entry in ClinVar:

ClinVar aggregate classification (germline): Likely benign (1 of 4 stars; one submission).

Submission:

Women's Health and Genetics/Laboratory Corporation of America, LabCorp
Classification: Likely benign. Last evaluated: 2023-01-27. Review status: criteria provided, single submitter. Criteria: LabCorp Variant Classification Summary - May 2015. Collection method: clinical testing. Allele origin: germline.
Comment: Variant summary: BRCA2 c.2070A>G alters a non-conserved nucleotide resulting in a synonymous change. Computational tools predict conflicitng impacts on normal splicing: three tools predict no significant impact on splicing, while one tool predicts the variant creates a 5' donor site. However, these predictions have yet to be confirmed by functional studies. The variant was absent in 250562 control chromosomes. The available data on variant occurrences in the general population are insufficient to allow any conclusion about variant significance. To our knowledge, no occurrence of c.2070A>G in individuals affected with Hereditary Breast And Ovarian Cancer Syndrome and no experimental evidence demonstrating its impact on protein function have been reported. No clinical diagnostic laboratories have submitted clinical-significance assessments for this variant to ClinVar after 2014. Based on the evidence outlined above, the variant was classified as likely benign.

NM_000059.4(BRCA2):c.2070A>G (p.Glu690=)

Gene: BRCA2 (BRCA2 DNA repair associated; plus strand). Cytogenetic location: 13q13.1.
Variant type: single nucleotide variant.
Coding change: c.2070A>G on transcript NM_000059.4 (MANE Select); coding-DNA position 2070, A replaced by G.
Protein change: p.Glu690=; no amino-acid change (glutamic acid 690 retained).
Molecular consequence: synonymous variant. On other transcripts: non-coding transcript variant (1), intron variant (2).
Genome position (GRCh38, 1-based): chr13:32,336,425, A>G. VCF-style: chr13-32336425-A-G. GRCh37 (hg19) VCF-style: chr13-32910562-A-G.
Other names: c.2070A>G, p.Glu690= (NM_001406719.1, NM_001406720.1); c.1909+3038A>G (NM_001406721.1); c.424+5395A>G (NM_001406722.1).
Identifiers: ClinVar variation 2429300 (VCV002429300.4), dbSNP rs2137483026, ClinGen allele CA483275114.